The following is an entry in ClinVar:

NM_153460.4(IL17RC):c.934C>T (p.Gln312Ter)

Gene: IL17RC (interleukin 17 receptor C; plus strand). Cytogenetic location: 3p25.3.
Variant type: single nucleotide variant.
Coding change: c.934C>T on transcript NM_153460.4 (MANE Select); coding-DNA position 934, C replaced by T.
Protein change: p.Gln312Ter; replaces glutamine 312 with a stop codon.
Molecular consequence: nonsense. On other transcripts: non-coding transcript variant (1).
Genome position (GRCh38, 1-based): chr3:9,928,361, C>T. VCF-style: chr3-9928361-C-T. GRCh37 (hg19) VCF-style: chr3-9970045-C-T.
Other names: c.889C>T, p.Gln297Ter (NM_001410711.1, NM_032732.6, NM_001367280.1 and 1 more transcripts); c.1147C>T, p.Gln383Ter (NM_153461.4); c.895C>T, p.Gln299Ter (NM_001367278.1); c.814C>T, p.Gln272Ter (NM_001367279.1); c.934C>T, p.Gln312Ter (NM_001203263.2, NM_001203264.2); short protein forms Q297*, Q272*, Q299*, Q312*, Q383*.
Identifiers: ClinVar variation 3724684 (VCV003724684.2).

ClinVar aggregate classification (germline): Uncertain significance (1 of 4 stars; one submission).

Conditions:
Candidiasis, familial, 9 (CANDF9). Identifiers: Orphanet 1334, MedGen C4225324, MONDO:0014642, OMIM 616445.

gnomAD v4.1: 1 of 1,605,656 alleles (0.000062%); highest among the groups gnomAD compares: Non-Finnish European, 0.000085%; no homozygotes.

Submission:

Labcorp Genetics (formerly Invitae), Labcorp
Classification: Uncertain significance for Candidiasis, familial, 9. Last evaluated: 2024-11-11. Review status: criteria provided, single submitter. Criteria: Invitae Variant Classification Sherloc (09022015). Collection method: clinical testing. Allele origin: germline.
Comment: This sequence change creates a premature translational stop signal (p.Gln383*) in the IL17RC gene. It is expected to result in an absent or disrupted protein product. However, the current clinical and genetic evidence is not sufficient to establish whether loss-of-function variants in IL17RC cause disease. This variant is not present in population databases (gnomAD no frequency). This variant has not been reported in the literature in individuals affected with IL17RC-related conditions. In summary, the available evidence is currently insufficient to determine the role of this variant in disease. Therefore, it has been classified as a Variant of Uncertain Significance.